The following is an entry in ClinVar:

NM_139343.3(BIN1):c.1645G>A (p.Val549Met)

Gene: BIN1 (bridging integrator 1; minus strand). Cytogenetic location: 2q14.3.
Variant type: single nucleotide variant.
Coding change: c.1645G>A on transcript NM_139343.3 (MANE Select); coding-DNA position 1645, G replaced by A.
Protein change: p.Val549Met; replaces valine 549 with methionine.
Molecular consequence: missense variant.
Genome position (GRCh38, 1-based): chr2:127,050,450, C>T on the plus strand (G>A on the coding strand, the complement: BIN1 is on the minus strand). VCF-style: chr2-127050450-C-T. GRCh37 (hg19) VCF-style: chr2-127808026-C-T.
Other names: c.1138G>A, p.Val380Met (NM_001320632.2); c.1276G>A, p.Val426Met (NM_001320633.2); c.1021G>A, p.Val341Met (NM_001320634.1); c.1405G>A, p.Val469Met (NM_001320640.2); c.1552G>A, p.Val518Met (NM_001320641.2); c.1564G>A, p.Val522Met (NM_001320642.1); c.1228G>A, p.Val410Met (NM_004305.4); c.1516G>A, p.Val506Met (NM_139344.3); and 7 more; short protein forms V341M, V365M, V380M, V395M, V410M, V426M, V431M, V438M.
Identifiers: ClinVar variation 3617620 (VCV003617620.2).

ClinVar aggregate classification (germline): Uncertain significance (1 of 4 stars; one submission).

Conditions:
Myopathy, centronuclear, 2 (CNM2). Also called: MYOTUBULAR MYOPATHY, AUTOSOMAL RECESSIVE. Identifiers: Orphanet 169186, MedGen CN031787, MONDO:0009709, OMIM 255200.

Submission:

Labcorp Genetics (formerly Invitae), Labcorp
Classification: Uncertain significance for Myopathy, centronuclear, 2. Last evaluated: 2024-09-14. Review status: criteria provided, single submitter. Criteria: Invitae Variant Classification Sherloc (09022015). Collection method: clinical testing. Allele origin: germline.
Comment: This sequence change replaces valine, which is neutral and non-polar, with methionine, which is neutral and non-polar, at codon 549 of the BIN1 protein (p.Val549Met). This variant is not present in population databases (gnomAD no frequency). This variant has not been reported in the literature in individuals affected with BIN1-related conditions. Invitae Evidence Modeling of protein sequence and biophysical properties (such as structural, functional, and spatial information, amino acid conservation, physicochemical variation, residue mobility, and thermodynamic stability) indicates that this missense variant is expected to disrupt BIN1 protein function with a positive predictive value of 80%. In summary, the available evidence is currently insufficient to determine the role of this variant in disease. Therefore, it has been classified as a Variant of Uncertain Significance.